The following is an entry in ClinVar:

ClinVar aggregate classification (germline): Benign/Likely benign. Review status: criteria provided, multiple submitters, no conflicts (2 of 4 stars). 3 submissions from 3 submitters: Benign (1); Likely benign (2). Last evaluated 2026-01-25.

Conditions:
DST-related disorder. Also called: DST-related disorders; DST-related condition.
Epidermolysis bullosa simplex 3, localized or generalized intermediate, with BP230 deficiency (EBS3). Also called: Epidermolysis bullosa simplex, autosomal recessive 2; Epidermolysis bullosa simplex due to BP230 deficiency. Identifiers: Orphanet 412181, MedGen C3809470, MONDO:0014180, OMIM 615425.
Hereditary sensory and autonomic neuropathy type 6. Also called: Neuropathy, hereditary sensory and autonomic, type VI; HSAN VI. Identifiers: Orphanet 314381, MedGen C3539003, MONDO:0013839, OMIM 614653.

Allele frequency attached by ClinVar (database versions not stated): gnomAD exomes 0.00016; TOPMed 0.00021; ESP Exome Variant Server 0.00023; gnomAD 0.00025; ExAC 0.00032.
gnomAD v4.1: 274 of 1,614,166 alleles (0.017%); highest among the groups gnomAD compares: South Asian, 0.22%; no homozygotes.

Submissions (3):

Labcorp Genetics (formerly Invitae), Labcorp
Classification: Benign for Epidermolysis bullosa simplex 3, localized or generalized intermediate, with BP230 deficiency; Hereditary sensory and autonomic neuropathy type 6. Last evaluated: 2026-01-25. Review status: criteria provided, single submitter. Criteria: Invitae Variant Classification Sherloc (09022015). Collection method: clinical testing. Allele origin: germline.

PreventionGenetics, part of Exact Sciences
Classification: Likely benign for DST-related condition. Last evaluated: 2025-08-18. Review status: criteria provided, single submitter. Criteria: ACMG Guidelines, 2015. Collection method: clinical testing. Allele origin: germline.
Comment: This variant is classified as likely benign based on ACMG/AMP sequence variant interpretation guidelines (Richards et al. 2015 PMID: 25741868, with internal and published modifications).

Blueprint Genetics
Classification: Likely benign. Last evaluated: 2021-11-18. Review status: criteria provided, single submitter. Criteria: ACMG Guidelines, 2015. Collection method: clinical testing. Allele origin: germline.

NM_001723.7(DST):c.6951A>G (p.Gln2317=)

Gene: DST (dystonin; minus strand). Cytogenetic location: 6p12.1.
Variant type: single nucleotide variant.
Coding change: c.6951A>G on transcript NM_001723.7 (MANE Plus Clinical); coding-DNA position 6951, A replaced by G.
Protein change: p.Gln2317=; no amino-acid change (glutamine 2317 retained).
Molecular consequence: synonymous variant. On other transcripts: intron variant (10).
Genome position (GRCh38, 1-based): chr6:56,616,516, T>C on the plus strand (A>G on the coding strand, the complement: DST is on the minus strand). VCF-style: chr6-56616516-T-C. GRCh37 (hg19) VCF-style: chr6-56481314-T-C.
Other names: c.6951A>G (NM_001723.5); c.4831-2032A>G (NM_001144769.5); c.4930-2032A>G (NM_001374722.1, NM_001374736.1); c.4957-2032A>G (NM_001374734.1); c.4417-2032A>G (NM_001144770.2); c.4297-2032A>G (NM_001374730.1, NM_001386100.1, NM_183380.4 and 1 more transcripts); c.3319-2032A>G (NM_015548.5).
Identifiers: ClinVar variation 1901024 (VCV001901024.7), dbSNP rs140651078, ClinGen allele CA3870059.
Genomic context (GRCh38, chr6:56,616,516, plus strand): 5'-ATGTGTTTTCTTGACATTGAGATTGGAAATGTTCCTCTCCCCAAATGGAAACAGAAAGCA[T>C]TGGGACTCTACATCAAATACACACATTCGCAGTAATTCTGAGTAATACAGAGCTTGCTTG-3'
Protein context (NP_001714.1, residues 2307-2327): LRMCVFDVES[Gln2317=]CFLFPFGERN